The following is an entry in ClinVar:

NM_000540.3(RYR1):c.847C>T (p.His283Tyr)

Gene: RYR1 (ryanodine receptor 1; plus strand). Cytogenetic location: 19q13.2.
Variant type: single nucleotide variant.
Coding change: c.847C>T on transcript NM_000540.3 (MANE Select); coding-DNA position 847, C replaced by T.
Protein change: p.His283Tyr; replaces histidine 283 with tyrosine.
Molecular consequence: missense variant.
Genome position (GRCh38, 1-based): chr19:38,448,401, C>T. VCF-style: chr19-38448401-C-T. GRCh37 (hg19) VCF-style: chr19-38939041-C-T.
Other names: c.847C>T, p.His283Tyr (NM_001042723.2); short protein forms H283Y.
Identifiers: ClinVar variation 567487 (VCV000567487.10), dbSNP rs753985252, ClinGen allele CA072080.

ClinVar aggregate classification (germline): Uncertain significance. Review status: criteria provided, multiple submitters, no conflicts (2 of 4 stars). 3 submissions from 3 submitters: Uncertain significance (3). Last evaluated 2025-01-20.

Conditions:
Central core myopathy (CMYO1A). Also called: CONGENITAL MYOPATHY 1A, AUTOSOMAL DOMINANT, WITH SUSCEPTIBILITY TO MALIGNANT HYPERTHERMIA; Central core disease; Myopathy, central fibrillar. Identifiers: Orphanet 597, MedGen C5830701, MONDO:0007294, OMIM 117000.
Congenital myopathy with fiber type disproportion. Also called: Congenital fiber-type disproportion myopathy; Congenital fiber-type disproportion. Identifiers: Orphanet 2020, MedGen C0546264, MONDO:0009711. Inheritance: all.
King Denborough syndrome (KDS). Identifiers: MedGen C1840365, MONDO:0020485, OMIM 619542.
Malignant hyperthermia, susceptibility to, 1 (MHS1). Also called: RYR1-Related Malignant Hyperthermia Susceptibility; Anesthesia related hyperthermia; Malignant hyperpyrexia; Fulminating hyperpyrexia; Pharmacogenic myopathy; Malignant hyperthermia suceptibility 1. Identifiers: Orphanet 423, MedGen C2930980, MONDO:0007783, OMIM 145600.
Congenital multicore myopathy with external ophthalmoplegia (CMYO1B). Also called: Congenital myopathy 1B, autosomal recessive; Minicore myopathy; MULTIMINICORE DISEASE WITH EXTERNAL OPHTHALMOPLEGIA; Minicore myopathy with external ophthalmoplegia; MULTICORE MYOPATHY. Identifiers: Orphanet 598, Orphanet 98905, MedGen C1850674, MONDO:0009712, OMIM 255320, HP:0003789.
RYR1-related disorder. Also called: RYR1-related condition; RYR1-related disorders. Identifiers: MedGen CN239331.

Allele frequency attached by ClinVar (database versions not stated): gnomAD 0.00001; gnomAD exomes 0.00002 and 0.00006; TOPMed 0.00002; ExAC 0.00006.
gnomAD v4.1: 16 of 1,612,590 alleles (0.00099%); highest among the groups gnomAD compares: Admixed American, 0.025%; no homozygotes.

Submissions (3):

Labcorp Genetics (formerly Invitae), Labcorp
Classification: Uncertain significance for RYR1-related disorder. Last evaluated: 2025-01-20. Review status: criteria provided, single submitter. Criteria: Invitae Variant Classification Sherloc (09022015). Collection method: clinical testing. Allele origin: germline.
Comment: This sequence change replaces histidine, which is basic and polar, with tyrosine, which is neutral and polar, at codon 283 of the RYR1 protein (p.His283Tyr). This variant is present in population databases (rs753985252, gnomAD 0.03%). This missense change has been observed in individual(s) with autosomal recessive RYR1-related conditions (internal data). In at least one individual the data is consistent with being in trans (on the opposite chromosome) from a pathogenic variant. ClinVar contains an entry for this variant (Variation ID: 567487). Invitae Evidence Modeling of protein sequence and biophysical properties (such as structural, functional, and spatial information, amino acid conservation, physicochemical variation, residue mobility, and thermodynamic stability) has been performed for this missense variant. However, the output from this modeling did not meet the statistical confidence thresholds required to predict the impact of this variant on RYR1 protein function. This variant disrupts the p.His283 amino acid residue in RYR1. Other variant(s) that disrupt this residue have been determined to be pathogenic (PMID: 24091937). This suggests that this residue is clinically significant, and that variants that disrupt this residue are likely to be disease-causing. In summary, the available evidence is currently insufficient to determine the role of this variant in disease. Therefore, it has been classified as a Variant of Uncertain Significance.

All of Us Research Program, National Institutes of Health
Classification: Uncertain significance for Malignant hyperthermia, susceptibility to, 1. Last evaluated: 2024-03-05. Review status: criteria provided, single submitter. Criteria: ACMG Guidelines, 2015. Collection method: clinical testing. Allele origin: germline. Inheritance: Autosomal dominant inheritance. Observed: 7 variant alleles, 7 heterozygotes.
Comment: This missense variant replaces histidine with tyrosine at codon 283 of the RYR1 protein. Computational prediction suggests that this variant may have deleterious impact on protein structure and function (internally defined REVEL score threshold >= 0.7, PMID: 27666373). To our knowledge, functional studies have not been reported for this variant. This variant has not been reported in individuals affected with RYR1-related disorders in the literature. This variant has been identified in 16/249810 chromosomes in the general population by the Genome Aggregation Database (gnomAD). The available evidence is insufficient to determine the role of this variant in disease conclusively. Therefore, this variant is classified as a Variant of Uncertain Significance.

This study involves interpretation of variants in research participants for the purpose of population health screening. Participant phenotype was not available at the time of variant classification. Additional details can be found in publication PMID: 35346344, PMCID: PMC8962531

Fulgent Genetics
Classification: Uncertain significance for Central core myopathy; Malignant hyperthermia, susceptibility to, 1; Congenital myopathy 4A, autosomal dominant; Congenital multicore myopathy with external ophthalmoplegia; King Denborough syndrome. Last evaluated: 2021-09-23. Review status: criteria provided, single submitter. Criteria: ACMG Guidelines, 2015. Collection method: clinical testing. Allele origin: unknown.

Literature cited by the submitters: PubMed 24091937 (cited by Labcorp Genetics (formerly Invitae), Labcorp).